The following is an entry in ClinVar:

NM_030632.3(ASXL3):c.4609T>A (p.Ser1537Thr)

Gene: ASXL3 (ASXL transcriptional regulator 3; plus strand). Cytogenetic location: 18q12.1.
Variant type: single nucleotide variant.
Coding change: c.4609T>A on transcript NM_030632.3 (MANE Select); coding-DNA position 4609, T replaced by A.
Protein change: p.Ser1537Thr; replaces serine 1537 with threonine.
Molecular consequence: missense variant.
Genome position (GRCh38, 1-based): chr18:33,744,457, T>A. VCF-style: chr18-33744457-T-A. GRCh37 (hg19) VCF-style: chr18-31324421-T-A.
Other names: short protein forms S1537T.
Identifiers: ClinVar variation 3367917 (VCV003367917.1).
Genomic context (GRCh38, chr18:33,744,457, plus strand): 5'-CCTCAGGTGTCTGTGATTAGCAGGCCTGAGCCAGTTGCCAACGAAGGTATAGATCACAGT[T>A]CCACTTTCATTGCTGCTTCGGCAGCAAAACAAGACAGTAAAACATTGCCGGCCACCTGCA-3'
Protein context (NP_085135.1, residues 1527-1547): PVANEGIDHS[Ser1537Thr]TFIAASAAKQ

ClinVar aggregate classification (germline): Uncertain significance (1 of 4 stars; one submission).

Submission:

GeneDx
Classification: Uncertain significance. Last evaluated: 2024-01-12. Review status: criteria provided, single submitter. Criteria: GeneDx Variant Classification Process June 2021. Collection method: clinical testing. Allele origin: germline. Affected: yes.
Comment: Not observed at significant frequency in large population cohorts (gnomAD); In silico analysis supports that this missense variant does not alter protein structure/function; Has not been previously published as pathogenic or benign to our knowledge